The following is an entry in ClinVar:

NM_005751.5(AKAP9):c.49-3T>C

Gene: AKAP9 (A-kinase anchoring protein 9; plus strand). Cytogenetic location: 7q21.2.
Variant type: single nucleotide variant.
Coding change: c.49-3T>C on transcript NM_005751.5 (MANE Select); 3 bases into the intron before coding-DNA position 49, T replaced by C.
Molecular consequence: intron variant.
Genome position (GRCh38, 1-based): chr7:91,973,708, T>C. VCF-style: chr7-91973708-T-C. GRCh37 (hg19) VCF-style: chr7-91603022-T-C.
Other names: c.49-3T>C (NM_147185.3).
Identifiers: ClinVar variation 1744269 (VCV001744269.7), dbSNP rs749383289, ClinGen allele CA4335723.

ClinVar aggregate classification (germline): Uncertain significance. Review status: criteria provided, multiple submitters, no conflicts (2 of 4 stars). 2 submissions from 2 submitters: Uncertain significance (2). Last evaluated 2022-09-29.

Conditions:
Long QT syndrome (LQTS). Identifiers: MedGen C0023976, MeSH D008133, MONDO:0002442. Disease mechanism: loss of function. Inheritance: Various modes of inheritance.
Cardiovascular phenotype. Identifiers: MedGen CN230736.

Allele frequency attached by ClinVar (database versions not stated): gnomAD exomes below 0.00001; TOPMed 0.00002; ExAC 0.00002; gnomAD 0.00005.
gnomAD v4.1: 9 of 1,613,724 alleles (0.00056%); highest among the groups gnomAD compares: African/African-American, 0.012%; no homozygotes.

Submissions (2):

Labcorp Genetics (formerly Invitae), Labcorp
Classification: Uncertain significance for Long QT syndrome. Last evaluated: 2022-09-29. Review status: criteria provided, single submitter. Criteria: Invitae Variant Classification Sherloc (09022015). Collection method: clinical testing. Allele origin: germline.
Comment: This variant has not been reported in the literature in individuals affected with AKAP9-related conditions. In summary, the available evidence is currently insufficient to determine the role of this variant in disease. Therefore, it has been classified as a Variant of Uncertain Significance. Variants that disrupt the consensus splice site are a relatively common cause of aberrant splicing (PMID: 17576681, 9536098). Algorithms developed to predict the effect of sequence changes on RNA splicing suggest that this variant is not likely to affect RNA splicing. This variant is present in population databases (rs749383289, gnomAD 0.01%). This sequence change falls in intron 1 of the AKAP9 gene. It does not directly change the encoded amino acid sequence of the AKAP9 protein. It affects a nucleotide within the consensus splice site.

Ambry Genetics
Classification: Uncertain significance for Cardiovascular phenotype. Last evaluated: 2022-01-31. Review status: criteria provided, single submitter. Criteria: Ambry Variant Classification Scheme 2023. Collection method: clinical testing. Allele origin: germline.
Comment: The c.49-3T>C intronic variant results from a T to C substitution 3 nucleotides upstream from coding exon 2 in the AKAP9 gene. This nucleotide position is well conserved in available vertebrate species. In silico splice site analysis predicts that this alteration will not have any significant effect on splicing. The evidence for this gene-disease relationship is limited; therefore, the clinical significance of this alteration is unclear.

Literature cited by the submitters: PubMed 17576681 (cited by Labcorp Genetics (formerly Invitae), Labcorp); PubMed 9536098 (cited by Labcorp Genetics (formerly Invitae), Labcorp).